The following is an entry in ClinVar:

NM_000535.7(PMS2):c.807C>T (p.Ile269=)

Gene: PMS2 (PMS1 homolog 2, mismatch repair system component; minus strand). Cytogenetic location: 7p22.1.
Variant type: single nucleotide variant.
Coding change: c.807C>T on transcript NM_000535.7 (MANE Select); coding-DNA position 807, C replaced by T.
Protein change: p.Ile269=; no amino-acid change (isoleucine 269 retained).
Molecular consequence: synonymous variant. On other transcripts: 5 prime UTR variant (2), non-coding transcript variant (1).
Genome position (GRCh38, 1-based): chr7:5,995,630, G>A on the plus strand (C>T on the coding strand, the complement: PMS2 is on the minus strand). VCF-style: chr7-5995630-G-A. GRCh37 (hg19) VCF-style: chr7-6035261-G-A.
Other names: c.402C>T, p.Ile134= (NM_001322003.2, NM_001322004.2, NM_001322005.2 and 2 more transcripts); c.807C>T, p.Ile269= (NM_001322006.2, NM_001322014.2); c.489C>T, p.Ile163= (NM_001322007.2, NM_001322008.2); c.-127C>T (NM_001322011.2, NM_001322012.2); c.234C>T, p.Ile78= (NM_001322013.2); c.498C>T, p.Ile166= (NM_001322015.2).
Identifiers: ClinVar variation 1153757 (VCV001153757.10), dbSNP rs1784316728, ClinGen allele CA453645882.
Genomic context (GRCh38, chr7:5,995,630, plus strand): 5'-AAACTGTCTGTCTGTTGAACTCCTTCCAACTCCATGCGTGCATTGTGAAATGAAACCTGA[G>A]ATGCTATTCAACATTAATATGGTAAGGGCAGGATTCCAGAGTGAAAGGGATTAGAAATAC-3'
Protein context (NP_000526.2, residues 259-279): CSDALHNLFY[Ile269=]SGFISQCTHG

ClinVar aggregate classification (germline): Benign/Likely benign. Review status: criteria provided, multiple submitters, no conflicts (2 of 4 stars). 2 submissions from 2 submitters: Benign (1); Likely benign (1). Last evaluated 2025-01-28.

Conditions:
Hereditary nonpolyposis colorectal neoplasms. Identifiers: MedGen C0009405, MeSH D003123.
Lynch syndrome 4 (LYNCH4). Also called: Colorectal cancer, hereditary nonpolyposis, type 4; Hereditary non-polyposis colorectal cancer, type 4. Identifiers: Orphanet 144, MedGen C1838333, MONDO:0013699, OMIM 614337. Disease mechanism: loss of function.

Submissions (2):

Myriad Genetics, Inc.
Classification: Benign for Lynch syndrome 4. Last evaluated: 2025-01-28. Review status: criteria provided, single submitter. Criteria: Myriad Autosomal Dominant, Autosomal Recessive and X-Linked Classification Criteria (2023). Collection method: clinical testing. Allele origin: unknown.
Comment: This variant is considered benign. This variant is a silent/synonymous amino acid change and it is not expected to impact splicing.

Labcorp Genetics (formerly Invitae), Labcorp
Classification: Likely benign for Hereditary nonpolyposis colorectal neoplasms. Last evaluated: 2019-10-26. Review status: criteria provided, single submitter. Criteria: Invitae Variant Classification Sherloc (09022015). Collection method: clinical testing. Allele origin: germline.